The following is an entry in ClinVar:

NM_002334.4(LRP4):c.2009C>T (p.Thr670Met)

Gene: LRP4 (LDL receptor related protein 4; minus strand). Cytogenetic location: 11p11.2.
Variant type: single nucleotide variant.
Coding change: c.2009C>T on transcript NM_002334.4 (MANE Select); coding-DNA position 2009, C replaced by T.
Protein change: p.Thr670Met; replaces threonine 670 with methionine.
Molecular consequence: missense variant.
Genome position (GRCh38, 1-based): chr11:46,890,027, G>A on the plus strand (C>T on the coding strand, the complement: LRP4 is on the minus strand). VCF-style: chr11-46890027-G-A. GRCh37 (hg19) VCF-style: chr11-46911578-G-A.
Other names: short protein forms T670M.
Identifiers: ClinVar variation 660225 (VCV000660225.9), dbSNP rs752512047, ClinGen allele CA5970003.

ClinVar aggregate classification (germline): Uncertain significance. Review status: criteria provided, multiple submitters, no conflicts (2 of 4 stars). 3 submissions from 3 submitters: Uncertain significance (3). Last evaluated 2022-12-26.

Conditions:
Cenani-Lenz syndactyly syndrome. Also called: CENANI SYNDACTYLISM; SYNDACTYLY, TYPE VII. Identifiers: Orphanet 3258, MedGen C1859309, MONDO:0008931, OMIM 212780.
Sclerosteosis 2 (SOST2). Identifiers: Orphanet 3152, MedGen C3280402, MONDO:0013679, OMIM 614305.
Congenital myasthenic syndrome 17. Identifiers: Orphanet 590, MedGen C4225377, MONDO:0014578, OMIM 616304.

Allele frequency attached by ClinVar (database versions not stated): TOPMed below 0.00001; gnomAD 0.00001; gnomAD exomes 0.00001; ExAC 0.00002.

Submissions (3):

Blueprint Genetics
Classification: Uncertain significance. Last evaluated: 2022-12-26. Review status: criteria provided, single submitter. Criteria: ACMG Guidelines, 2015. Collection method: clinical testing. Allele origin: germline.

Fulgent Genetics
Classification: Uncertain significance for Cenani-Lenz syndactyly syndrome; Sclerosteosis 2; Congenital myasthenic syndrome 17. Last evaluated: 2021-07-29. Review status: criteria provided, single submitter. Criteria: ACMG Guidelines, 2015. Collection method: clinical testing. Allele origin: unknown.

Labcorp Genetics (formerly Invitae), Labcorp
Classification: Uncertain significance for Cenani-Lenz syndactyly syndrome; Sclerosteosis 2; Congenital myasthenic syndrome 17. Last evaluated: 2018-12-29. Review status: criteria provided, single submitter. Criteria: Invitae Variant Classification Sherloc (09022015). Collection method: clinical testing. Allele origin: germline.
Comment: This sequence change replaces threonine with methionine at codon 670 of the LRP4 protein (p.Thr670Met). The threonine residue is highly conserved and there is a moderate physicochemical difference between threonine and methionine. This variant is present in population databases (rs752512047, ExAC 0.01%). This variant has not been reported in the literature in individuals with LRP4-related disease. Algorithms developed to predict the effect of missense changes on protein structure and function (SIFT, PolyPhen-2, Align-GVGD) all suggest that this variant is likely to be disruptive, but these predictions have not been confirmed by published functional studies and their clinical significance is uncertain. In summary, the available evidence is currently insufficient to determine the role of this variant in disease. Therefore, it has been classified as a Variant of Uncertain Significance.